The following is an entry in ClinVar:

ClinVar aggregate classification (germline): Uncertain significance (1 of 4 stars; one submission).

Submission:

Labcorp Genetics (formerly Invitae), Labcorp
Classification: Uncertain significance. Last evaluated: 2025-01-11. Review status: criteria provided, single submitter. Criteria: Invitae Variant Classification Sherloc (09022015). Collection method: clinical testing. Allele origin: germline.
Comment: This sequence change replaces aspartic acid, which is acidic and polar, with glycine, which is neutral and non-polar, at codon 955 of the DLC1 protein (p.Asp955Gly). This variant is not present in population databases (gnomAD no frequency). This variant has not been reported in the literature in individuals affected with DLC1-related conditions. An algorithm developed to predict the effect of missense changes on protein structure and function (PolyPhen-2) suggests that this variant is likely to be disruptive. In summary, the available evidence is currently insufficient to determine the role of this variant in disease. Therefore, it has been classified as a Variant of Uncertain Significance.

NM_182643.3(DLC1):c.2864A>G (p.Asp955Gly)

Gene: DLC1 (DLC1 Rho GTPase activating protein; minus strand). Cytogenetic location: 8p22.
Variant type: single nucleotide variant.
Coding change: c.2864A>G on transcript NM_182643.3 (MANE Select); coding-DNA position 2864, A replaced by G.
Protein change: p.Asp955Gly; replaces aspartic acid 955 with glycine.
Molecular consequence: missense variant.
Genome position (GRCh38, 1-based): chr8:13,099,473, T>C on the plus strand (A>G on the coding strand, the complement: DLC1 is on the minus strand). VCF-style: chr8-13099473-T-C. GRCh37 (hg19) VCF-style: chr8-12956982-T-C.
Other names: c.1331A>G, p.Asp444Gly (NM_001164271.2, NM_001348082.2, NM_001348083.1 and 6 more transcripts); c.1655A>G, p.Asp552Gly (NM_001316668.2, NM_001413129.1); c.2864A>G, p.Asp955Gly (NM_001348081.2, NM_001413124.1); c.1646A>G, p.Asp549Gly (NM_001413130.1); c.1304A>G, p.Asp435Gly (NM_001413131.1, NM_001413137.1); c.1790A>G, p.Asp597Gly (NM_001413132.1); c.1553A>G, p.Asp518Gly (NM_001413135.1, NM_001413136.1, NM_001413139.1 and 1 more transcripts); c.1688A>G, p.Asp563Gly (NM_001413140.1); short protein forms D444G, D597G, D955G, D563G, D435G, D518G, D549G, D552G.
Identifiers: ClinVar variation 3728590 (VCV003728590.2).